The following is an entry in ClinVar:

NM_012431.3(SEMA3E):c.2271G>C (p.Lys757Asn)

Gene: SEMA3E (semaphorin 3E; minus strand). Cytogenetic location: 7q21.11.
Variant type: single nucleotide variant.
Coding change: c.2271G>C on transcript NM_012431.3 (MANE Select); coding-DNA position 2271, G replaced by C.
Protein change: p.Lys757Asn; replaces lysine 757 with asparagine.
Molecular consequence: missense variant.
Genome position (GRCh38, 1-based): chr7:83,367,643, C>G on the plus strand (G>C on the coding strand, the complement: SEMA3E is on the minus strand). VCF-style: chr7-83367643-C-G. GRCh37 (hg19) VCF-style: chr7-82996959-C-G.
Other names: c.2091G>C, p.Lys697Asn (NM_001178129.2); short protein forms K697N, K757N.
Identifiers: ClinVar variation 4999447 (VCV004999447.1).

ClinVar aggregate classification (germline): Uncertain significance (1 of 4 stars; one submission).

Conditions:
SEMA3E-related disorder. Also called: SEMA3E-related condition.

Submission:

PreventionGenetics, part of Exact Sciences
Classification: Uncertain significance for SEMA3E-related condition. Last evaluated: 2025-07-26. Review status: criteria provided, single submitter. Criteria: ACMG Guidelines, 2015. Collection method: clinical testing. Allele origin: germline.
Comment: The SEMA3E c.2271G>C variant is predicted to result in the amino acid substitution p.Lys757Asn. To our knowledge, this variant has not been reported in the literature or in a large population database (gnomAD), indicating this variant is rare. At this time, the clinical significance of this variant is uncertain due to the absence of conclusive functional and genetic evidence.